The following is an entry in ClinVar:

NM_020738.4(KIDINS220):c.1787+10A>T

Gene: KIDINS220 (kinase D interacting substrate 220; minus strand). Cytogenetic location: 2p25.1.
Variant type: single nucleotide variant.
Coding change: c.1787+10A>T on transcript NM_020738.4 (MANE Select); 10 bases into the intron after coding-DNA position 1787, A replaced by T.
Molecular consequence: intron variant.
Genome position (GRCh38, 1-based): chr2:8,788,637, T>A on the plus strand (A>T on the coding strand, the complement: KIDINS220 is on the minus strand). VCF-style: chr2-8788637-T-A. GRCh37 (hg19) VCF-style: chr2-8928767-T-A.
Other names: c.1787+10A>T (NM_001348741.2, NM_001348738.2, NM_001348742.2 and 3 more transcripts); c.1790+10A>T (NM_001348739.2, NM_001348740.2, NM_001348734.2 and 3 more transcripts); c.1661+10A>T (NM_001348736.2).
Identifiers: ClinVar variation 3347949 (VCV003347949.1).

ClinVar aggregate classification (germline): Likely benign (0 of 4 stars; one submission).

Conditions:
KIDINS220-related disorder. Also called: KIDINS220-related condition.

Submission:

PreventionGenetics, part of Exact Sciences
Classification: Likely benign for KIDINS220-related condition. Last evaluated: 2024-06-22. Review status: no assertion criteria provided. Collection method: clinical testing. Allele origin: germline.
Comment: This variant is classified as likely benign based on ACMG/AMP sequence variant interpretation guidelines (Richards et al. 2015 PMID: 25741868, with internal and published modifications).